The following is an entry in ClinVar:

ClinVar aggregate classification (germline): Uncertain significance (1 of 4 stars; one submission).

Conditions:
Hermansky-Pudlak syndrome 2 (HPS2). Also called: Platelet defects and oculocutaneous albinism. Identifiers: Orphanet 183678, Orphanet 79430, MedGen C1842362, MONDO:0011997, OMIM 608233.

gnomAD v4.1: 4 of 1,613,240 alleles (0.00025%); highest among the groups gnomAD compares: South Asian, 0.0011%; no homozygotes.

Submission:

Labcorp Genetics (formerly Invitae), Labcorp
Classification: Uncertain significance for Hermansky-Pudlak syndrome 2. Last evaluated: 2024-06-08. Review status: criteria provided, single submitter. Criteria: Invitae Variant Classification Sherloc (09022015). Collection method: clinical testing. Allele origin: germline.
Comment: This sequence change replaces valine, which is neutral and non-polar, with alanine, which is neutral and non-polar, at codon 585 of the AP3B1 protein (p.Val585Ala). This variant is not present in population databases (gnomAD no frequency). This variant has not been reported in the literature in individuals affected with AP3B1-related conditions. ClinVar contains an entry for this variant (Variation ID: 836008). An algorithm developed to predict the effect of missense changes on protein structure and function (PolyPhen-2) suggests that this variant is likely to be tolerated. In summary, the available evidence is currently insufficient to determine the role of this variant in disease. Therefore, it has been classified as a Variant of Uncertain Significance.

NM_003664.5(AP3B1):c.1754T>C (p.Val585Ala)

Gene: AP3B1 (adaptor related protein complex 3 subunit beta 1; minus strand). Cytogenetic location: 5q14.1.
Variant type: single nucleotide variant.
Coding change: c.1754T>C on transcript NM_003664.5 (MANE Select); coding-DNA position 1754, T replaced by C.
Protein change: p.Val585Ala; replaces valine 585 with alanine.
Molecular consequence: missense variant.
Genome position (GRCh38, 1-based): chr5:78,129,204, A>G on the plus strand (T>C on the coding strand, the complement: AP3B1 is on the minus strand). VCF-style: chr5-78129204-A-G. GRCh37 (hg19) VCF-style: chr5-77425028-A-G.
Other names: c.1607T>C, p.Val536Ala (NM_001271769.2); short protein forms V536A, V585A.
Identifiers: ClinVar variation 836008 (VCV000836008.5), dbSNP rs6453373, ClinGen allele CA360187802.